The following is an entry in ClinVar:

ClinVar aggregate classification (germline): Pathogenic (1 of 4 stars; one submission).

Conditions:
Emery-Dreifuss muscular dystrophy 1, X-linked (EDMD1). Also called: Muscular dystrophy, tardive, Dreifuss-Emery type, with contractures; SCAPULOPERONEAL SYNDROME, X-LINKED; HUMEROPERONEAL NEUROMUSCULAR DISEASE; EMD-Related Emery-Dreifuss Muscular Dystrophy, X-Linked. Identifiers: MedGen CN375556, MONDO:0100531, OMIM 310300.

Submission:

Institute of Immunology and Genetics Kaiserslautern
Classification: Pathogenic for Emery-Dreifuss muscular dystrophy 1, X-linked. Last evaluated: 2025-08-15. Review status: criteria provided, single submitter. Criteria: ACMG Guidelines, 2015. Collection method: clinical testing. Allele origin: germline. Affected: yes.
Comment: ACMG Criteria: PVS1, PS1, PM2; Variant was found in hemizygous state.

NM_000117.3(EMD):c.2T>C (p.Met1Thr)

Gene: EMD (emerin; plus strand). Cytogenetic location: Xq28.
Variant type: single nucleotide variant.
Coding change: c.2T>C on transcript NM_000117.3 (MANE Select); coding-DNA position 2, T replaced by C.
Protein change: p.Met1Thr; changes the start codon (methionine 1).
Molecular consequence: missense variant, initiator codon variant.
Genome position (GRCh38, 1-based): chrX:154,379,486, T>C. VCF-style: chrX-154379486-T-C. GRCh37 (hg19) VCF-style: chrX-153607846-T-C.
Other names: short protein forms M1T.
Identifiers: ClinVar variation 4279045 (VCV004279045.1).